The following is an entry in ClinVar:

NM_006766.5(KAT6A):c.3666G>C (p.Glu1222Asp)

Gene: KAT6A (lysine acetyltransferase 6A; minus strand). Cytogenetic location: 8p11.21.
Variant type: single nucleotide variant.
Coding change: c.3666G>C on transcript NM_006766.5 (MANE Select); coding-DNA position 3666, G replaced by C.
Protein change: p.Glu1222Asp; replaces glutamic acid 1222 with aspartic acid.
Molecular consequence: missense variant.
Genome position (GRCh38, 1-based): chr8:41,934,554, C>G on the plus strand (G>C on the coding strand, the complement: KAT6A is on the minus strand). VCF-style: chr8-41934554-C-G. GRCh37 (hg19) VCF-style: chr8-41792072-C-G.
Other names: short protein forms E1222D.
Identifiers: ClinVar variation 2859388 (VCV002859388.3), dbSNP rs2486757842, ClinGen allele CA371068655.
Genomic context (GRCh38, chr8:41,934,554, plus strand): 5'-CTCTTCCTCACCCTCTTCAGCCTCTTCTGCCTCTGCTTGCATCTCCTCCTCCTCCTTCCT[C>G]TCCTCGGGTAGGGGCATGTCTTCTTTTGGCTCAACAGTTTCTTCACTCTCCTGGATCTTG-3'
Protein context (NP_006757.2, residues 1212-1232): EPKEDMPLPE[Glu1222Asp]RKEEEEMQAE

ClinVar aggregate classification (germline): Uncertain significance (1 of 4 stars; one submission).

Submission:

Labcorp Genetics (formerly Invitae), Labcorp
Classification: Uncertain significance. Last evaluated: 2023-04-26. Review status: criteria provided, single submitter. Criteria: Invitae Variant Classification Sherloc (09022015). Collection method: clinical testing. Allele origin: germline.
Comment: In summary, the available evidence is currently insufficient to determine the role of this variant in disease. Therefore, it has been classified as a Variant of Uncertain Significance. Advanced modeling of protein sequence and biophysical properties (such as structural, functional, and spatial information, amino acid conservation, physicochemical variation, residue mobility, and thermodynamic stability) performed at Invitae indicates that this missense variant is not expected to disrupt KAT6A protein function. This variant has not been reported in the literature in individuals affected with KAT6A-related conditions. This variant is not present in population databases (gnomAD no frequency). This sequence change replaces glutamic acid, which is acidic and polar, with aspartic acid, which is acidic and polar, at codon 1222 of the KAT6A protein (p.Glu1222Asp).